The following is an entry in ClinVar:

NM_000350.3(ABCA4):c.4870T>G (p.Trp1624Gly)

Genes: ABCA4 (ATP binding cassette subfamily A member 4; minus strand), LOC126805793 (CDK7 strongly-dependent group 2 enhancer GRCh37_chr1:94486302-94487501; plus strand). Cytogenetic location: 1p22.1.
Variant type: single nucleotide variant.
Coding change: c.4870T>G on transcript NM_000350.3 (MANE Select); coding-DNA position 4870, T replaced by G.
Protein change: p.Trp1624Gly; replaces tryptophan 1624 with glycine.
Molecular consequence: missense variant.
Genome position (GRCh38, 1-based): chr1:94,021,388, A>C on the plus strand (T>G on the coding strand, the complement: ABCA4 is on the minus strand). VCF-style: chr1-94021388-A-C. GRCh37 (hg19) VCF-style: chr1-94486944-A-C.
Other names: NM_000350.3:c.4870T>G; c.4648T>G, p.Trp1550Gly (NM_001425324.1); short protein forms W1550G, W1624G.
Identifiers: ClinVar variation 4879984 (VCV004879984.2).

ClinVar aggregate classification (germline): Uncertain significance. Review status: reviewed by expert panel (3 of 4 stars). 2 submissions from 2 submitters: Uncertain significance (1). 1 of the submissions does not count toward it. Last evaluated 2026-05-05.

Conditions:
ABCA4-related retinopathy. Also called: ABCA4-related retinoapthy; ABCA4 retinoapthy. Identifiers: MedGen CN322612, MONDO:0800406.

Submissions (2):

ClinGen ABCA4 Variant Curation Expert Panel, Clingen
Classification: Uncertain significance for ABCA4-related retinopathy. Last evaluated: 2026-05-05. Review status: reviewed by expert panel. Criteria: ClinGen ABCA4 ACMG Specifications V1.0.0. Collection method: curation. Allele origin: germline. Inheritance: Autosomal recessive inheritance.
Comment: The NM_000350.3(ABCA4):c.4870T>G variant in ABCA4 is a missense variant predicted to cause substitution of a tryptophan at codon 1624 with a glycine (p.Trp1624Gly). This variant is absent from gnomAD v4.1.0 meeting PM2_Supporting. The computational predictor REVEL gives a score of 0.899 which is above the threshold of >0.772 meeting PP3_Moderate. This variant has been detected in individuals with ABCA4-related retinopathy (PMID: 17296903, 20647261, 23918662). Of those individuals, one was compound heterozygous for the variant and a pathogenic variant that was confirmed in trans by parental testing (PM3, PMID: 23918662). Neither of the other individuals had two ABCA4 variant reported so no points were awarded. In summary, this variant meets the criteria to be classified as a variant of uncertain significance for ABCA4-related retinopathy based on the ACMG/AMP criteria applied, as specified by the ClinGen ABCA4 VCEP specification version 1.0.0: PM3, PP3_Moderate, PM2_Supporting.

Blueprint Genetics
Classification: Uncertain significance. Last evaluated: 2019-09-26. Review status: criteria provided, single submitter. Criteria: ACMG Guidelines, 2015. Collection method: clinical testing. Allele origin: germline. Not counted in ClinVar's aggregate classification.